The following is an entry in ClinVar:

NM_032444.4(SLX4):c.4712C>T (p.Thr1571Met)

Gene: SLX4 (SLX4 structure-specific endonuclease subunit; minus strand). Cytogenetic location: 16p13.3.
Variant type: single nucleotide variant.
Coding change: c.4712C>T on transcript NM_032444.4 (MANE Select); coding-DNA position 4712, C replaced by T.
Protein change: p.Thr1571Met; replaces threonine 1571 with methionine.
Molecular consequence: missense variant.
Genome position (GRCh38, 1-based): chr16:3,584,796, G>A on the plus strand (C>T on the coding strand, the complement: SLX4 is on the minus strand). VCF-style: chr16-3584796-G-A. GRCh37 (hg19) VCF-style: chr16-3634797-G-A.
Other names: short protein forms T1571M.
Identifiers: ClinVar variation 1343303 (VCV001343303.12), dbSNP rs765601038, ClinGen allele CA7865544.

ClinVar aggregate classification (germline): Uncertain significance. Review status: criteria provided, multiple submitters, no conflicts (2 of 4 stars). 4 submissions from 4 submitters: Uncertain significance (3). 1 of the submissions does not count toward it. Last evaluated 2025-12-29.

Conditions:
Fanconi anemia (FA). Also called: Fanconi's anemia. Identifiers: Orphanet 84, MedGen C0015625, MeSH D005199, MONDO:0019391.
Hepatoblastoma. Identifiers: Orphanet 449, MedGen C0206624, MONDO:0018666, HP:0002884.
Fanconi anemia complementation group P. Also called: SLX4-Related Fanconi Anemia. Identifiers: Orphanet 84, MedGen C3469542, MONDO:0013499, OMIM 613951.

Allele frequency attached by ClinVar (database versions not stated): gnomAD 0.00005; TOPMed 0.00005; gnomAD exomes 0.00002; ExAC 0.00001.
gnomAD v4.1: 34 of 1,613,892 alleles (0.0021%); highest among the groups gnomAD compares: Admixed American, 0.0083%; no homozygotes.

Submissions (4):

Labcorp Genetics (formerly Invitae), Labcorp
Classification: Uncertain significance for Fanconi anemia. Last evaluated: 2025-12-29. Review status: criteria provided, single submitter. Criteria: Invitae Variant Classification Sherloc (09022015). Collection method: clinical testing. Allele origin: germline.
Comment: This sequence change replaces threonine, which is neutral and polar, with methionine, which is neutral and non-polar, at codon 1571 of the SLX4 protein (p.Thr1571Met). This variant is present in population databases (rs765601038, gnomAD 0.007%). This variant has not been reported in the literature in individuals affected with SLX4-related conditions. ClinVar contains an entry for this variant (Variation ID: 1343303). An algorithm developed to predict the effect of missense changes on protein structure and function (PolyPhen-2) suggests that this variant is likely to be disruptive. In summary, the available evidence is currently insufficient to determine the role of this variant in disease. Therefore, it has been classified as a Variant of Uncertain Significance.

Dasa
Classification: Uncertain significance. Last evaluated: 2024-12-09. Review status: criteria provided, single submitter. Criteria: DASA Assertion Criteria. Collection method: clinical testing. Allele origin: germline.
Comment: NM_032444.4(SLX4):c.4712C>T (p.Thr1571Met) is a missense variant that results in the substitution of threonine with methionine. This variant is rare in population databases. Computational prediction algorithms are consistent with a benign effect. The currently available literature and clinical evidence are not sufficient to establish a definitive association between this variant and the reported condition. Therefore, this variant is classified as a variant of uncertain significance.

Fulgent Genetics
Classification: Uncertain significance for Fanconi anemia complementation group P. Last evaluated: 2024-03-10. Review status: criteria provided, single submitter. Criteria: ACMG Guidelines, 2015. Collection method: clinical testing. Allele origin: germline.

Molecular Oncology -  Human Genetics Lab, University of Sao Paulo
Classification: Uncertain significance for Hepatoblastoma. Review status: no assertion criteria provided. Collection method: research. Allele origin: germline. Affected: yes. Not counted in ClinVar's aggregate classification.